The following is an entry in ClinVar:

NM_001042681.2(RERE):c.1470A>G (p.Glu490=)

Gene: RERE (arginine-glutamic acid dipeptide repeats; minus strand). Cytogenetic location: 1p36.23.
Variant type: single nucleotide variant.
Coding change: c.1470A>G on transcript NM_001042681.2 (MANE Select); coding-DNA position 1470, A replaced by G.
Protein change: p.Glu490=; no amino-acid change (glutamic acid 490 retained).
Molecular consequence: synonymous variant. On other transcripts: 5 prime UTR variant (1).
Genome position (GRCh38, 1-based): chr1:8,364,816, T>C on the plus strand (A>G on the coding strand, the complement: RERE is on the minus strand). VCF-style: chr1-8364816-T-C. GRCh37 (hg19) VCF-style: chr1-8424876-T-C.
Other names: c.-193A>G (NM_001042682.2); c.1470A>G, p.Glu490= (NM_012102.4).
Identifiers: ClinVar variation 2069656 (VCV002069656.19), dbSNP rs143128648, ClinGen allele CA571693.

ClinVar aggregate classification (germline): Benign/Likely benign. Review status: criteria provided, multiple submitters, no conflicts (2 of 4 stars). 3 submissions from 3 submitters: Benign (1); Likely benign (2). Last evaluated 2025-11-04.

Allele frequency attached by ClinVar (database versions not stated): ESP Exome Variant Server 0.00015; gnomAD exomes 0.00018; TOPMed 0.00021; gnomAD 0.00023; ExAC 0.00028.

Submissions (3):

Labcorp Genetics (formerly Invitae), Labcorp
Classification: Benign. Last evaluated: 2025-11-04. Review status: criteria provided, single submitter. Criteria: Invitae Variant Classification Sherloc (09022015). Collection method: clinical testing. Allele origin: germline.

Blueprint Genetics
Classification: Likely benign. Last evaluated: 2024-11-06. Review status: criteria provided, single submitter. Criteria: ACMG Guidelines, 2015. Collection method: clinical testing. Allele origin: germline.

CeGaT Center for Human Genetics Tuebingen
Classification: Likely benign. Last evaluated: 2024-11-01. Review status: criteria provided, single submitter. Criteria: CeGaT Center For Human Genetics Tuebingen Variant Classification Criteria Version 2. Collection method: clinical testing. Allele origin: germline. Affected: yes. Observed: 1 variant allele.
Comment: RERE: BP4, BP7